The following is an entry in ClinVar:

ClinVar aggregate classification (germline): Benign. Review status: criteria provided, multiple submitters, no conflicts (2 of 4 stars). 7 submissions from 6 submitters: Benign (6). 1 of the submissions does not count toward it. Last evaluated 2026-02-03.

Conditions:
Charcot-Marie-tooth disease, axonal, type 2DD. Also called: CHARCOT-MARIE-TOOTH NEUROPATHY, TYPE 2DD. Identifiers: Orphanet 521414, MedGen C4747974, MONDO:0054833, OMIM 618036.
ATP1A1-related disorder. Also called: ATP1A1-related condition.
Hypomagnesemia, seizures, and impaired intellectual development 2. Also called: Hypomagnesemia, seizures, and intellectual disability 2. Identifiers: MedGen C5193023, MONDO:0020788, OMIM 618314.

Allele frequency attached by ClinVar (database versions not stated): gnomAD exomes 0.04700 and 0.01593; ESP Exome Variant Server 0.12302; TOPMed 0.13238; 1000 Genomes Project 0.13558; ExAC 0.04938; gnomAD 0.11367 and 0.12034; 1000 Genomes Project 30x 0.14194.
gnomAD v4.1: 41,440 of 1,613,776 alleles (2.6%); highest among the groups gnomAD compares: African/African-American, 37%; 5,716 homozygotes.

Submissions (7):

Labcorp Genetics (formerly Invitae), Labcorp
Classification: Benign. Last evaluated: 2026-02-03. Review status: criteria provided, single submitter. Criteria: Invitae Variant Classification Sherloc (09022015). Collection method: clinical testing. Allele origin: germline.

Mayo Clinic Laboratories, Mayo Clinic
Classification: Benign. Last evaluated: 2022-03-24. Review status: criteria provided, single submitter. Criteria: ACMG Guidelines, 2015. Collection method: clinical testing. Allele origin: germline. Observed: 53 variant alleles.

Genome-Nilou Lab
Classification: Benign for Charcot-Marie-tooth disease, axonal, type 2DD. Last evaluated: 2021-12-05. Review status: criteria provided, single submitter. Criteria: ACMG Guidelines, 2015. Collection method: clinical testing. Allele origin: germline. Affected: no.

Genome-Nilou Lab
Classification: Benign for Hypomagnesemia, seizures, and impaired intellectual development 2. Last evaluated: 2021-12-05. Review status: criteria provided, single submitter. Criteria: ACMG Guidelines, 2015. Collection method: clinical testing. Allele origin: germline. Affected: no.

GeneDx
Classification: Benign. Last evaluated: 2021-05-04. Review status: criteria provided, single submitter. Criteria: GeneDx Variant Classification Process June 2021. Collection method: clinical testing. Allele origin: germline. Affected: yes.

Breakthrough Genomics
Classification: Benign. Review status: criteria provided, single submitter. Criteria: ACMG Guidelines, 2015. Collection method: not provided. Allele origin: germline. Inheritance: Autosomal dominant inheritance. Affected: yes.

PreventionGenetics, part of Exact Sciences
Classification: Benign for ATP1A1-related condition. Last evaluated: 2019-10-28. Review status: no assertion criteria provided. Collection method: clinical testing. Allele origin: germline. Not counted in ClinVar's aggregate classification.
Comment: This variant is classified as benign based on ACMG/AMP sequence variant interpretation guidelines (Richards et al. 2015 PMID: 25741868, with internal and published modifications).

NM_000701.8(ATP1A1):c.741C>A (p.Thr247=)

Gene: ATP1A1 (ATPase Na+/K+ transporting subunit alpha 1; plus strand). Cytogenetic location: 1p13.1.
Variant type: single nucleotide variant.
Coding change: c.741C>A on transcript NM_000701.8 (MANE Select); coding-DNA position 741, C replaced by A.
Protein change: p.Thr247=; no amino-acid change (threonine 247 retained).
Molecular consequence: synonymous variant.
Genome position (GRCh38, 1-based): chr1:116,389,006, C>A. VCF-style: chr1-116389006-C-A. GRCh37 (hg19) VCF-style: chr1-116931628-C-A.
Other names: p.Thr247=; c.648C>A, p.Thr216= (NM_001160234.2); c.741C>A, p.Thr247= (NM_001160233.2).
Identifiers: ClinVar variation 1275937 (VCV001275937.14), dbSNP rs12079419, ClinGen allele CA1025175.